The following is an entry in ClinVar:

ClinVar aggregate classification (germline): Uncertain significance (1 of 4 stars; one submission).

Conditions:
Hereditary cancer-predisposing syndrome. Also called: Hereditary Cancer Syndrome; Hereditary neoplastic syndrome; Neoplastic Syndromes, Hereditary; Tumor predisposition. Identifiers: Orphanet 140162, MedGen C0027672, MeSH D009386, MONDO:0015356.

Allele frequency attached by ClinVar (database versions not stated): gnomAD exomes below 0.00001; ExAC 0.00001.
gnomAD v4.1: 1 of 1,613,412 alleles (0.000062%); highest among the groups gnomAD compares: Admixed American, 0.0017%; no homozygotes.

Submission:

Ambry Genetics
Classification: Uncertain significance for Hereditary cancer-predisposing syndrome. Last evaluated: 2022-08-09. Review status: criteria provided, single submitter. Criteria: Ambry Variant Classification Scheme 2023. Collection method: clinical testing. Allele origin: germline.
Comment: The p.P2024T variant (also known as c.6070C>A), located in coding exon 44 of the POLE gene, results from a C to A substitution at nucleotide position 6070. The proline at codon 2024 is replaced by threonine, an amino acid with highly similar properties. This amino acid position is conserved. In addition, the in silico prediction for this alteration is inconclusive. Since supporting evidence is limited at this time, the clinical significance of this alteration remains unclear.

NM_006231.4(POLE):c.6070C>A (p.Pro2024Thr)

Gene: POLE (DNA polymerase epsilon, catalytic subunit; minus strand). Cytogenetic location: 12q24.33.
Variant type: single nucleotide variant.
Coding change: c.6070C>A on transcript NM_006231.4 (MANE Select); coding-DNA position 6070, C replaced by A.
Protein change: p.Pro2024Thr; replaces proline 2024 with threonine.
Molecular consequence: missense variant.
Genome position (GRCh38, 1-based): chr12:132,632,730, G>T on the plus strand (C>A on the coding strand, the complement: POLE is on the minus strand). VCF-style: chr12-132632730-G-T. GRCh37 (hg19) VCF-style: chr12-133209316-G-T.
Other names: short protein forms P2024T.
Identifiers: ClinVar variation 1751396 (VCV001751396.2), dbSNP rs778855135, ClinGen allele CA6892288.
Genomic context (GRCh38, chr12:132,632,730, plus strand): 5'-GGGCTCCGACCGCCCCCTCGGCCTCCTGGGAGAGCTGGCTGGCCCCCCTCCTCCTCACGG[G>T]GGTGCTCCCTGGAGCACTGCGCCTCAGCCCGTCCTTCATGCAGTGGTACACGGCCACGAT-3'
Protein context (NP_006222.2, residues 2014-2034): GLRRSAPGST[Pro2024Thr]VRRRGASQLS